The following is an entry in ClinVar:

NM_005477.3(HCN4):c.2705C>G (p.Thr902Ser)

Gene: HCN4 (hyperpolarization activated cyclic nucleotide gated potassium channel 4; minus strand). Cytogenetic location: 15q24.1.
Variant type: single nucleotide variant.
Coding change: c.2705C>G on transcript NM_005477.3 (MANE Select); coding-DNA position 2705, C replaced by G.
Protein change: p.Thr902Ser; replaces threonine 902 with serine.
Molecular consequence: missense variant.
Genome position (GRCh38, 1-based): chr15:73,323,388, G>C on the plus strand (C>G on the coding strand, the complement: HCN4 is on the minus strand). VCF-style: chr15-73323388-G-C. GRCh37 (hg19) VCF-style: chr15-73615729-G-C.
Other names: short protein forms T902S.
Identifiers: ClinVar variation 3524259 (VCV003524259.1).
Genomic context (GRCh38, chr15:73,323,388, plus strand): 5'-TCGGAGGAGGACAGGGAGCCACCCAGCGCCTTGTGGAAGTGGCCAAACCCGGCTATGGTG[G>C]TGGCGGCTACGCCAGCTGATGGTGTGGGAGCCGAGGGGGAGCCACAGGCCCCGGGGGGTG-3'
Protein context (NP_005468.1, residues 892-912): APTPSAGVAA[Thr902Ser]TIAGFGHFHK

ClinVar aggregate classification (germline): Uncertain significance (1 of 4 stars; one submission).

Conditions:
Cardiovascular phenotype. Identifiers: MedGen CN230736.

Submission:

Ambry Genetics
Classification: Uncertain significance for Cardiovascular phenotype. Last evaluated: 2024-08-23. Review status: criteria provided, single submitter. Criteria: Ambry Variant Classification Scheme 2023. Collection method: clinical testing. Allele origin: germline.
Comment: The p.T902S variant (also known as c.2705C>G), located in coding exon 8 of the HCN4 gene, results from a C to G substitution at nucleotide position 2705. The threonine at codon 902 is replaced by serine, an amino acid with similar properties. This amino acid position is conserved. In addition, this alteration is predicted to be tolerated by in silico analysis. Based on the available evidence, the clinical significance of this variant remains unclear.